The following is an entry in ClinVar:

NM_006182.4(DDR2):c.94T>C (p.Tyr32His)

Gene: DDR2 (discoidin domain receptor tyrosine kinase 2; plus strand). Cytogenetic location: 1q23.3.
Variant type: single nucleotide variant.
Coding change: c.94T>C on transcript NM_006182.4 (MANE Select); coding-DNA position 94, T replaced by C.
Protein change: p.Tyr32His; replaces tyrosine 32 with histidine.
Molecular consequence: missense variant.
Genome position (GRCh38, 1-based): chr1:162,753,106, T>C. VCF-style: chr1-162753106-T-C. GRCh37 (hg19) VCF-style: chr1-162722896-T-C.
Other names: c.94T>C, p.Tyr32His (NM_001014796.3, NM_001354982.2, NM_001354983.2); short protein forms Y32H.
Identifiers: ClinVar variation 4702382 (VCV004702382.1).
Genomic context (GRCh38, chr1:162,753,106, plus strand): 5'-AAAAATAAAACCATGTCCTCTCTTTTCTCTTTGGTTTCTCTTGGTCTAGCTATATGCCGC[T>C]ATCCTCTGGGCATGTCAGGAGGCCAGATTCCAGATGAGGACATCACAGCTTCCAGTCAGT-3'
Protein context (NP_006173.2, residues 22-42): KAQVNPAICR[Tyr32His]PLGMSGGQIP

ClinVar aggregate classification (germline): Uncertain significance (1 of 4 stars; one submission).

gnomAD v4.1: 7 of 1,613,620 alleles (0.00043%); highest among the groups gnomAD compares: Admixed American, 0.0017%; no homozygotes.

Submission:

Labcorp Genetics (formerly Invitae), Labcorp
Classification: Uncertain significance. Last evaluated: 2025-08-16. Review status: criteria provided, single submitter. Criteria: Invitae Variant Classification Sherloc (09022015). Collection method: clinical testing. Allele origin: germline.
Comment: This sequence change replaces tyrosine, which is neutral and polar, with histidine, which is basic and polar, at codon 32 of the DDR2 protein (p.Tyr32His). This variant is present in population databases (rs764505156, gnomAD 0.002%). This variant has not been reported in the literature in individuals affected with DDR2-related conditions. An algorithm developed to predict the effect of missense changes on protein structure and function (PolyPhen-2) suggests that this variant is likely to be disruptive. In summary, the available evidence is currently insufficient to determine the role of this variant in disease. Therefore, it has been classified as a Variant of Uncertain Significance.